The following is an entry in ClinVar:

ClinVar aggregate classification (germline): Pathogenic (1 of 4 stars; one submission).

Conditions:
Microcephaly, normal intelligence and immunodeficiency (NBS). Also called: BERLIN BREAKAGE SYNDROME; SEEMANOVA SYNDROME II; Ataxia telangiectasia variant V1; IMMUNODEFICIENCY, MICROCEPHALY, AND CHROMOSOMAL INSTABILITY; Immunodeficiency, microcephaly with normal intelligence; Nijmegen breakage syndrome. Identifiers: Orphanet 647, MedGen C0398791, MONDO:0009623, OMIM 251260.

Submission:

Labcorp Genetics (formerly Invitae), Labcorp
Classification: Pathogenic for Microcephaly, normal intelligence and immunodeficiency. Last evaluated: 2021-12-10. Review status: criteria provided, single submitter. Criteria: Invitae Variant Classification Sherloc (09022015). Collection method: clinical testing. Allele origin: germline.
Comment: This variant has not been reported in the literature in individuals affected with NBN-related conditions. For these reasons, this variant has been classified as Pathogenic. ClinVar contains an entry for this variant (Variation ID: 575328). This variant is not present in population databases (gnomAD no frequency). This sequence change creates a premature translational stop signal (p.Val580Phefs*18) in the NBN gene. It is expected to result in an absent or disrupted protein product. Loss-of-function variants in NBN are known to be pathogenic (PMID: 9590180, 16415040).

Literature cited by the submitters: PubMed 9590180; PubMed 16415040.

NM_002485.5(NBN):c.1737del (p.Val580fs)

Gene: NBN (nibrin; minus strand). Cytogenetic location: 8q21.3.
Variant type: Deletion.
Coding change: c.1737del on transcript NM_002485.5 (MANE Select); coding-DNA position 1737, one base deleted (A; older notation c.1737delA).
Protein change: p.Val580fs; shifts the reading frame from valine 580.
Molecular consequence: frameshift variant.
Genome position (GRCh38, 1-based): chr8:89,953,352, T deleted on the plus strand (A on the coding strand, the reverse complement: NBN is on the minus strand); the first of 3 consecutive T bases (chr8:89,953,352-89,953,354); deleting any one gives the same sequence. VCF-style (leftmost placement, unchanged base first): chr8-89953351-CT-C. GRCh37 (hg19) VCF-style: chr8-90965579-CT-C.
Other names: c.1737delA (NM_002485.4); c.1491del, p.Val498fs (NM_001024688.3); short protein forms V580fs, V498fs.
Identifiers: ClinVar variation 575328 (VCV000575328.6), dbSNP rs1563525210, ClinGen allele CA891842839.